The following is an entry in ClinVar:

NM_017852.5(NLRP2):c.2170G>A (p.Ala724Thr)

Gene: NLRP2 (NLR family pyrin domain containing 2; plus strand). Cytogenetic location: 19q13.42.
Variant type: single nucleotide variant.
Coding change: c.2170G>A on transcript NM_017852.5 (MANE Select); coding-DNA position 2170, G replaced by A.
Protein change: p.Ala724Thr; replaces alanine 724 with threonine.
Molecular consequence: missense variant. On other transcripts: non-coding transcript variant (1).
Genome position (GRCh38, 1-based): chr19:54,985,186, G>A. VCF-style: chr19-54985186-G-A. GRCh37 (hg19) VCF-style: chr19-55496554-G-A.
Other names: c.2170G>A, p.Ala724Thr (NM_001174081.3); c.2104G>A, p.Ala702Thr (NM_001174082.3); c.2101G>A, p.Ala701Thr (NM_001174083.2); c.2161G>A, p.Ala721Thr (NM_001348003.2); c.2170G>A (NM_017852.3); short protein forms A701T, A702T, A721T, A724T.
Identifiers: ClinVar variation 3904894 (VCV003904894.11).
Genomic context (GRCh38, chr19:54,985,186, plus strand): 5'-CTAGCAATCAATGATAGCTTTCTCAGTGCCTCCCTAGTAAGGATCCTGTGTGAACAAATA[G>A]CCTCTGACACCTGTCATCTCCAGAGAGTGGTGTAAGTAGAAACTAATTCATGAACTCAAA-3'
Protein context (NP_060322.1, residues 714-734): SLVRILCEQI[Ala724Thr]SDTCHLQRVV

ClinVar aggregate classification (germline): Conflicting classifications of pathogenicity. Review status: criteria provided, conflicting classifications (1 of 4 stars). 2 submissions from 2 submitters: Uncertain significance (1); Likely benign (1). Last evaluated 2025-06-24.

gnomAD v4.1: 730 of 1,614,056 alleles (0.045%); highest among the groups gnomAD compares: South Asian, 0.74%; 8 homozygotes.

Submissions (2):

GeneDx
Classification: Uncertain significance. Last evaluated: 2025-06-24. Review status: criteria provided, single submitter. Criteria: GeneDx Variant Classification Process June 2021. Collection method: clinical testing. Allele origin: germline. Affected: yes.
Comment: In silico analysis suggests that this missense variant does not alter protein structure/function; Has not been previously published as pathogenic or benign to our knowledge

CeGaT Center for Human Genetics Tuebingen
Classification: Likely benign. Last evaluated: 2025-06-01. Review status: criteria provided, single submitter. Criteria: CeGaT Center For Human Genetics Tuebingen Variant Classification Criteria Version 2. Collection method: clinical testing. Allele origin: germline. Affected: yes. Observed: 1 variant allele.
Comment: NLRP2: BP4, BS2